The following is an entry in ClinVar:

ClinVar aggregate classification (germline): Uncertain significance (1 of 4 stars; one submission).

Submission:

GeneDx
Classification: Uncertain significance. Last evaluated: 2022-07-24. Review status: criteria provided, single submitter. Criteria: GeneDx Variant Classification Process June 2021. Collection method: clinical testing. Allele origin: germline. Affected: yes.
Comment: Not observed at significant frequency in large population cohorts (gnomAD); In silico analysis supports that this missense variant does not alter protein structure/function; Has not been previously published as pathogenic or benign to our knowledge

NM_139058.3(ARX):c.1165G>A (p.Ala389Thr)

Gene: ARX (aristaless related homeobox; minus strand). Cytogenetic location: Xp21.3.
Variant type: single nucleotide variant.
Coding change: c.1165G>A on transcript NM_139058.3 (MANE Select); coding-DNA position 1165, G replaced by A.
Protein change: p.Ala389Thr; replaces alanine 389 with threonine.
Molecular consequence: missense variant.
Genome position (GRCh38, 1-based): chrX:25,007,394, C>T on the plus strand (G>A on the coding strand, the complement: ARX is on the minus strand). VCF-style: chrX-25007394-C-T. GRCh37 (hg19) VCF-style: chrX-25025511-C-T.
Other names: short protein forms A389T.
Identifiers: ClinVar variation 2429522 (VCV002429522.1), dbSNP rs2519101932, ClinGen allele CA412611588.